The following is an entry in ClinVar:

NM_003873.7(NRP1):c.1720C>G (p.Leu574Val)

Gene: NRP1 (neuropilin 1; minus strand). Cytogenetic location: 10p11.22.
Variant type: single nucleotide variant.
Coding change: c.1720C>G on transcript NM_003873.7 (MANE Select); coding-DNA position 1720, C replaced by G.
Protein change: p.Leu574Val; replaces leucine 574 with valine.
Molecular consequence: missense variant. On other transcripts: non-coding transcript variant (1).
Genome position (GRCh38, 1-based): chr10:33,207,611, G>C on the plus strand (C>G on the coding strand, the complement: NRP1 is on the minus strand). VCF-style: chr10-33207611-G-C. GRCh37 (hg19) VCF-style: chr10-33496539-G-C.
Other names: c.1720C>G, p.Leu574Val (NM_001024628.3, NM_001024629.3, NM_001244972.2 and 2 more transcripts); short protein forms L574V.
Identifiers: ClinVar variation 3036346 (VCV003036346.2), dbSNP rs569952285, ClinGen allele CA5466524.
Genomic context (GRCh38, chr10:33,207,611, plus strand): 5'-AACTCTGGAGATCATAATTACCTTCCACTTCACAGCCCAGCAGCTCCATTCTGAGCCCCA[G>C]TCCGCCATGAGTGGCTCTCTCGGGGTAGATCCTGATGAATCGCGTGGAGAGAGCTGGAAA-3'
Protein context (NP_003864.5, residues 564-584): IYPERATHGG[Leu574Val]GLRMELLGCE

ClinVar aggregate classification (germline): Likely benign (0 of 4 stars; one submission).

Conditions:
NRP1-related disorder. Also called: NRP1-related condition.

Allele frequency attached by ClinVar (database versions not stated): gnomAD 0.00004; ExAC 0.00021.
gnomAD v4.1: 86 of 1,614,206 alleles (0.0053%); highest among the groups gnomAD compares: Admixed American, 0.14%; 1 homozygote.

Submission:

PreventionGenetics, part of Exact Sciences
Classification: Likely benign for NRP1-related condition. Last evaluated: 2022-02-01. Review status: no assertion criteria provided. Collection method: clinical testing. Allele origin: germline.
Comment: This variant is classified as likely benign based on ACMG/AMP sequence variant interpretation guidelines (Richards et al. 2015 PMID: 25741868, with internal and published modifications).